The following is an entry in ClinVar:

NM_001365999.1(SZT2):c.1373G>A (p.Arg458Gln)

Gene: SZT2 (SZT2 subunit of KICSTOR complex; plus strand). Cytogenetic location: 1p34.2.
Variant type: single nucleotide variant.
Coding change: c.1373G>A on transcript NM_001365999.1 (MANE Select); coding-DNA position 1373, G replaced by A.
Protein change: p.Arg458Gln; replaces arginine 458 with glutamine.
Molecular consequence: missense variant.
Genome position (GRCh38, 1-based): chr1:43,420,860, G>A. VCF-style: chr1-43420860-G-A. GRCh37 (hg19) VCF-style: chr1-43886531-G-A.
Other names: c.1373G>A, p.Arg458Gln (NM_015284.4); short protein forms R458Q.
Identifiers: ClinVar variation 423418 (VCV000423418.10), dbSNP rs547358307, ClinGen allele CA808404.

ClinVar aggregate classification (germline): Uncertain significance. Review status: criteria provided, multiple submitters, no conflicts (2 of 4 stars). 3 submissions from 3 submitters: Uncertain significance (3). Last evaluated 2025-10-01.

Conditions:
Developmental and epileptic encephalopathy, 18 (DEE18). Also called: Early infantile epileptic encephalopathy 18. Identifiers: Orphanet 369894, MedGen C3809624, MONDO:0014201, OMIM 615476.

Allele frequency attached by ClinVar (database versions not stated): gnomAD 0.00005 and 0.00003; 1000 Genomes Project 0.00040; 1000 Genomes Project 30x 0.00047; ExAC 0.00003; gnomAD exomes 0.00003; TOPMed 0.00004.
gnomAD v4.1: 53 of 1,598,428 alleles (0.0033%); highest among the groups gnomAD compares: East Asian, 0.04%; no homozygotes.

Submissions (3):

Labcorp Genetics (formerly Invitae), Labcorp
Classification: Uncertain significance. Last evaluated: 2025-10-01. Review status: criteria provided, single submitter. Criteria: Invitae Variant Classification Sherloc (09022015). Collection method: clinical testing. Allele origin: germline.
Comment: This sequence change replaces arginine, which is basic and polar, with glutamine, which is neutral and polar, at codon 458 of the SZT2 protein (p.Arg458Gln). This variant is present in population databases (rs547358307, gnomAD 0.02%). This variant has not been reported in the literature in individuals affected with SZT2-related conditions. ClinVar contains an entry for this variant (Variation ID: 423418). Invitae Evidence Modeling of protein sequence and biophysical properties (such as structural, functional, and spatial information, amino acid conservation, physicochemical variation, residue mobility, and thermodynamic stability) indicates that this missense variant is not expected to disrupt SZT2 protein function with a negative predictive value of 80%. In summary, the available evidence is currently insufficient to determine the role of this variant in disease. Therefore, it has been classified as a Variant of Uncertain Significance.

Genome-Nilou Lab
Classification: Uncertain significance for Developmental and epileptic encephalopathy, 18. Last evaluated: 2023-04-11. Review status: criteria provided, single submitter. Criteria: ACMG Guidelines, 2015. Collection method: clinical testing. Allele origin: germline. Affected: no.

GeneDx
Classification: Uncertain significance. Last evaluated: 2017-02-15. Review status: criteria provided, single submitter. Criteria: GeneDx Variant Classification (06012015). Collection method: clinical testing. Allele origin: germline. Affected: yes.
Comment: The R458Q variant in the SZT2 gene has not been reported previously as a pathogenic variant, nor as a benign variant, to our knowledge. This variant is not observed at a significant frequency in large population cohorts (Lek et al., 2016; 1000 Genomes Consortium et al., 2015; Exome Variant Server). The R458Q variant is a semi-conservative amino acid substitution, which may impact secondary protein structure as these residues differ in some properties. This substitution occurs at a position that is not conserved. In silico analysis is inconsistent in its predictions as to whether or not the variant is damaging to the protein structure/function. We interpret R458Q as a variant of uncertain significance.